The following is an entry in ClinVar:

ClinVar aggregate classification (germline): Conflicting classifications of pathogenicity. Review status: criteria provided, conflicting classifications (1 of 4 stars). 5 submissions from 5 submitters: Uncertain significance (4); Likely benign (1). Last evaluated 2025-12-24.

Conditions:
Neurodevelopmental disorder with ataxic gait, absent speech, and decreased cortical white matter. Identifiers: MedGen C4540498, MONDO:0060624, OMIM 617807.
Inborn genetic diseases. Identifiers: MedGen C0950123, MeSH D030342.

Allele frequency attached by ClinVar (database versions not stated): gnomAD exomes 0.00001.
gnomAD v4.1: 3 of 1,613,478 alleles (0.00019%); highest among the groups gnomAD compares: South Asian, 0.0011%; no homozygotes.

Submissions (5):

Labcorp Genetics (formerly Invitae), Labcorp
Classification: Likely benign. Last evaluated: 2025-12-24. Review status: criteria provided, single submitter. Criteria: Invitae Variant Classification Sherloc (09022015). Collection method: clinical testing. Allele origin: germline.

GeneDx
Classification: Uncertain significance. Last evaluated: 2025-05-02. Review status: criteria provided, single submitter. Criteria: GeneDx Variant Classification Process June 2021. Collection method: clinical testing. Allele origin: germline. Affected: yes.
Comment: Not observed at significant frequency in large population cohorts (gnomAD); In silico analysis supports that this missense variant has a deleterious effect on protein structure/function; Has not been previously published as pathogenic or benign to our knowledge

Ambry Genetics
Classification: Uncertain significance for Inborn genetic diseases. Last evaluated: 2023-02-01. Review status: criteria provided, single submitter. Criteria: Ambry Variant Classification Scheme 2023. Collection method: clinical testing. Allele origin: germline.

Blueprint Genetics
Classification: Uncertain significance. Last evaluated: 2022-04-07. Review status: criteria provided, single submitter. Criteria: ACMG Guidelines, 2015. Collection method: clinical testing. Allele origin: germline.

Victorian Clinical Genetics Services, Murdoch Childrens Research Institute
Classification: Uncertain significance for Neurodevelopmental disorder with ataxic gait, absent speech, and decreased cortical white matter. Last evaluated: 2022-02-02. Review status: criteria provided, single submitter. Criteria: ACMG Guidelines, 2015. Collection method: clinical testing. Allele origin: germline. Inheritance: Autosomal dominant inheritance. Affected: yes.
Comment: Based on the classification scheme VCGS_Germline_v1.3.4, this variant is classified as VUS-3B. Following criteria are met: 0105 - The mechanism of disease for this gene is not clearly established (PMID: 29106825). (I) 0107 - This gene is associated with autosomal dominant disease. (I) 0200 - Variant is predicted to result in a missense amino acid change from alanine to glycine. (I) 0251 - This variant is heterozygous. (I) 0301 - Variant is absent from gnomAD (both v2 and v3). (SP) 0502 - Missense variant with conflicting in silico predictions and uninformative conservation. (I) 0600 - Variant is located in the annotated Ras family domain (DECIPHER). (I) 0705 - No comparable missense variants have previous evidence for pathogenicity. (I) 0807 - This variant has no previous evidence of pathogenicity. (I) 0905 - No published segregation evidence has been identified for this variant. (I) 1007 - No published functional evidence has been identified for this variant. (I) 1208 - Inheritance information for this variant is not currently available in this individual. (I) Legend: (SP) - Supporting pathogenic, (I) - Information, (SB) - Supporting benign

Literature cited by the submitters: PubMed 29106825 (cited by Victorian Clinical Genetics Services, Murdoch Childrens Research Institute).

NM_004218.4(RAB11B):c.491C>G (p.Ala164Gly)

Gene: RAB11B (RAB11B, member RAS oncogene family; plus strand). Cytogenetic location: 19p13.2.
Variant type: single nucleotide variant.
Coding change: c.491C>G on transcript NM_004218.4 (MANE Select); coding-DNA position 491, C replaced by G.
Protein change: p.Ala164Gly; replaces alanine 164 with glycine.
Molecular consequence: missense variant.
Genome position (GRCh38, 1-based): chr19:8,402,545, C>G. VCF-style: chr19-8402545-C-G. GRCh37 (hg19) VCF-style: chr19-8467429-C-G.
Other names: short protein forms A164G.
Identifiers: ClinVar variation 1805161 (VCV001805161.8), dbSNP rs2512747986, ClinGen allele CA403715770.